The following is an entry in ClinVar:

ClinVar aggregate classification (germline): Pathogenic (1 of 4 stars; one submission).

Conditions:
Aortic aneurysm, familial thoracic 4 (AAT4). Also called: AORTIC ANEURYSM/AORTIC DISSECTION AND PATENT DUCTUS ARTERIOSUS. Identifiers: MedGen C1851504, MONDO:0007568, OMIM 132900.

Submission:

Labcorp Genetics (formerly Invitae), Labcorp
Classification: Pathogenic for Aortic aneurysm, familial thoracic 4. Last evaluated: 2024-10-31. Review status: criteria provided, single submitter. Criteria: Invitae Variant Classification Sherloc (09022015). Collection method: clinical testing. Allele origin: germline.
Comment: This sequence change creates a premature translational stop signal (p.Glu1611Asnfs*23) in the MYH11 gene. It is expected to result in an absent or disrupted protein product. Loss-of-function variants in MYH11 are known to be pathogenic (PMID: 25407000, 29575632). This variant is not present in population databases (gnomAD no frequency). This variant has not been reported in the literature in individuals affected with MYH11-related conditions. For these reasons, this variant has been classified as Pathogenic.

Literature cited by the submitters: PubMed 25407000; PubMed 29575632.

NM_002474.3(MYH11):c.4810del (p.Glu1604fs)

Genes: NDE1 (nudE neurodevelopment protein 1; plus strand), MYH11 (myosin heavy chain 11; minus strand). Cytogenetic location: 16p13.11.
Variant type: Deletion.
Coding change: c.4810del on transcript NM_002474.3 (MANE Select); coding-DNA position 4810, one base deleted (G; older notation c.4810delG).
Protein change: p.Glu1604fs; shifts the reading frame from glutamic acid 1604.
Molecular consequence: frameshift variant. On other transcripts: intron variant (2).
Genome position (GRCh38, 1-based): chr16:15,720,294, C deleted on the plus strand (G on the coding strand, the reverse complement: MYH11 is on the minus strand); the first of 2 consecutive C bases (chr16:15,720,294-15,720,295); deleting either gives the same sequence. VCF-style (leftmost placement, unchanged base first): chr16-15720293-TC-T. GRCh37 (hg19) VCF-style: chr16-15814150-TC-T.
Other names: c.4831del, p.Glu1611fs (NM_001040113.2, NM_001040114.2); c.4810del, p.Glu1604fs (NM_022844.3); c.948-3896del (NM_001143979.2, NM_017668.3); short protein forms E1604fs, E1611fs.
Identifiers: ClinVar variation 3724404 (VCV003724404.2).
Genomic context (GRCh38, chr16:15,720,293, plus strand): 5'-CCTTCCAGCTTCTTCTTTGCTGCAGCTGCCAGGGCACGTTGCTTTCGCTCGTCTTCCAGT[TC>T]CGTCTCATACTCGTGAAGCTGGGCGAGGAATAGAGATGTGTGCTGCCCCACTTGCCCCTG-3'